The following is an entry in ClinVar:

ClinVar aggregate classification (germline): Pathogenic/Likely pathogenic. Review status: criteria provided, multiple submitters, no conflicts (2 of 4 stars). 3 submissions from 3 submitters: Pathogenic (1); Likely pathogenic (1). 1 of the submissions does not count toward it. Last evaluated 2025-11-12.

Conditions:
Hereditary cancer-predisposing syndrome. Also called: Neoplastic Syndromes, Hereditary; Tumor predisposition; Hereditary Cancer Syndrome; Hereditary neoplastic syndrome. Identifiers: Orphanet 140162, MedGen C0027672, MeSH D009386, MONDO:0015356.
Tuberous sclerosis syndrome (TSC). Also called: Tuberous Sclerosis Complex; Tuberous sclerosis. Identifiers: Orphanet 805, MedGen C0041341, MONDO:0001734.
Tuberous sclerosis 2 (TSC2). Identifiers: Orphanet 805, MedGen C1860707, MONDO:0013199, OMIM 613254.

Submissions (3):

Ambry Genetics
Classification: Likely pathogenic for Hereditary cancer-predisposing syndrome. Last evaluated: 2025-11-12. Review status: criteria provided, single submitter. Criteria: Ambry Variant Classification Scheme 2023. Collection method: clinical testing. Allele origin: germline.
Comment: The c.2355+2T>C intronic variant results from a T to C substitution two nucleotides after coding exon 20 in the TSC2 gene. Alterations that disrupt the canonical splice site are expected to result in aberrant splicing. In silico splice site analysis predicts that this alteration will weaken the native splice donor site. A resulting transcript is predicted to be in-frame and is not expected to trigger nonsense-mediated mRNA decay; although, direct evidence is unavailable. This variant was reported in individual(s) with features consistent with tuberous sclerosis complex (Sasongko TH et al. Kobe J Med Sci, 2008 May;54:E73-81; Jones AC et al. Am J Hum Genet, 1999 May;64:1305-15; Fokkema IFAC et al. Eur J Hum Genet, 2021 Dec;29:1796-180). This variant is considered to be rare based on population cohorts in the Genome Aggregation Database (gnomAD). This nucleotide position is highly conserved in available vertebrate species. Based on the majority of available evidence to date, this variant is likely to be pathogenic.

Labcorp Genetics (formerly Invitae), Labcorp
Classification: Pathogenic for Tuberous sclerosis 2. Last evaluated: 2023-09-27. Review status: criteria provided, single submitter. Criteria: Invitae Variant Classification Sherloc (09022015). Collection method: clinical testing. Allele origin: germline.
Comment: This sequence change affects a donor splice site in intron 21 of the TSC2 gene. It is expected to disrupt RNA splicing. Variants that disrupt the donor or acceptor splice site typically lead to a loss of protein function (PMID: 16199547), and loss-of-function variants in TSC2 are known to be pathogenic (PMID: 10205261, 17304050). For these reasons, this variant has been classified as Pathogenic. Algorithms developed to predict the effect of sequence changes on RNA splicing suggest that this variant may disrupt the consensus splice site. ClinVar contains an entry for this variant (Variation ID: 49713). Disruption of this splice site has been observed in individuals with tuberous sclerosis complex (PMID: 10205261, 18772611). This variant is not present in population databases (gnomAD no frequency).

Tuberous sclerosis database (TSC2)
No classification provided. Condition: TSC. Review status: no classification provided. Criteria: Tuberous Sclerosis Database Assertion Criteria 2015. Collection method: curation. Allele origin: germline. Affected: yes. Not counted in ClinVar's aggregate classification.

Literature cited by the submitters: PubMed 10205261 (cited by Ambry Genetics and Labcorp Genetics (formerly Invitae), Labcorp); PubMed 18772611 (cited by Ambry Genetics and Labcorp Genetics (formerly Invitae), Labcorp); PubMed 34521998 (cited by Ambry Genetics); PubMed 16199547 (cited by Labcorp Genetics (formerly Invitae), Labcorp); PubMed 17304050 (cited by Labcorp Genetics (formerly Invitae), Labcorp).

NM_000548.5(TSC2):c.2355+2T>C

Gene: TSC2 (TSC complex subunit 2; plus strand). Cytogenetic location: 16p13.3.
Variant type: single nucleotide variant.
Coding change: c.2355+2T>C on transcript NM_000548.5 (MANE Select); the canonical splice donor site of the intron after coding-DNA position 2355, T replaced by C.
Molecular consequence: splice donor variant.
Genome position (GRCh38, 1-based): chr16:2,072,985, T>C. VCF-style: chr16-2072985-T-C. GRCh37 (hg19) VCF-style: chr16-2122986-T-C.
Other names: c.1011+2T>C (NM_001406693.1, NM_001406689.1, NM_001406690.1 and 6 more transcripts); c.2445+2T>C (NM_001406667.1, NM_001406668.1); c.1755+2T>C (NM_001406680.1, NM_001406683.1, NM_001406687.1 and 6 more transcripts); c.753+2T>C (NM_001406698.1); c.2355+2T>C (NM_001114382.3, NM_001406663.1, NM_001406664.1 and 6 more transcripts); c.2343+2T>C (NM_001406671.1, NM_001406673.1); c.1893+2T>C (NM_001406681.1); c.2244+2T>C (NM_001406670.1, NM_001318827.2, NM_001406678.1); and 3 more.
Identifiers: ClinVar variation 49713 (VCV000049713.10), dbSNP rs45517228, ClinGen allele CA017242.
Genomic context (GRCh38, chr16:2,072,985, plus strand): 5'-TGGTTCCAGTGCTGACAGCATTAATCTCTTACCATAACTACCTGGACAAAACCAAACAGG[T>C]AGGAGGTCAGAGCAGGACAGGCGAGCTTGATGGGGCCTGGGATTCGAGGGCCTGGCCCAG-3'